The following is an entry in ClinVar:

NM_080680.3(COL11A2):c.562G>A (p.Val188Met)

Gene: COL11A2 (collagen type XI alpha 2 chain; minus strand). Cytogenetic location: 6p21.32.
Variant type: single nucleotide variant.
Coding change: c.562G>A on transcript NM_080680.3 (MANE Select); coding-DNA position 562, G replaced by A.
Protein change: p.Val188Met; replaces valine 188 with methionine.
Molecular consequence: missense variant. On other transcripts: 5 prime UTR variant (3), non-coding transcript variant (1).
Genome position (GRCh38, 1-based): chr6:33,188,406, C>T on the plus strand (G>A on the coding strand, the complement: COL11A2 is on the minus strand). VCF-style: chr6-33188406-C-T. GRCh37 (hg19) VCF-style: chr6-33156183-C-T.
Other names: c.562G>A, p.Val188Met (NM_001163771.2, NM_001424108.1, NM_080679.3 and 1 more transcripts); c.-285G>A (NM_001424109.1, NM_001424110.1, NM_001424111.1); short protein forms V188M.
Identifiers: ClinVar variation 3669178 (VCV003669178.2).
Genomic context (GRCh38, chr6:33,188,406, plus strand): 5'-TGATTGCTCTGGTTACCTCAAAGACTTCTTCATCCAGAATACGGGCACCAAAGATGATCA[C>T]TCCATGGGTGTCCAATACTGGACGAGCACTTCGGGGGAGAGGCCGGGTGACTCGCTTCTT-3'
Protein context (NP_542411.2, residues 178-198): SARPVLDTHG[Val188Met]IIFGARILDE

ClinVar aggregate classification (germline): Uncertain significance (1 of 4 stars; one submission).

Submission:

Labcorp Genetics (formerly Invitae), Labcorp
Classification: Uncertain significance. Last evaluated: 2025-04-17. Review status: criteria provided, single submitter. Criteria: Invitae Variant Classification Sherloc (09022015). Collection method: clinical testing. Allele origin: germline.
Comment: This sequence change replaces valine, which is neutral and non-polar, with methionine, which is neutral and non-polar, at codon 188 of the COL11A2 protein (p.Val188Met). This variant is not present in population databases (gnomAD no frequency). This variant has not been reported in the literature in individuals affected with COL11A2-related conditions. ClinVar contains an entry for this variant (Variation ID: 3669178). Invitae Evidence Modeling of protein sequence and biophysical properties (such as structural, functional, and spatial information, amino acid conservation, physicochemical variation, residue mobility, and thermodynamic stability) indicates that this missense variant is not expected to disrupt COL11A2 protein function with a negative predictive value of 95%. In summary, the available evidence is currently insufficient to determine the role of this variant in disease. Therefore, it has been classified as a Variant of Uncertain Significance.